The following is an entry in ClinVar:

NM_000465.4(BARD1):c.1309_1314del (p.Ile437_Lys438del)

Gene: BARD1 (BRCA1 associated RING domain 1; minus strand). Cytogenetic location: 2q35.
Variant type: Deletion.
Coding change: c.1309_1314del on transcript NM_000465.4 (MANE Select); coding-DNA positions 1309 to 1314, 6 bases deleted (ATTAAG; older notation c.1309_1314delATTAAG).
Protein change: p.Ile437_Lys438del.
Molecular consequence: inframe deletion. On other transcripts: non-coding transcript variant (2), intron variant (3).
Genome position (GRCh38, 1-based): chr2:214,780,560-214,780,565, CTTAAT deleted on the plus strand (ATTAAG on the coding strand, the reverse complement: BARD1 is on the minus strand). VCF-style (leftmost placement, unchanged base first): chr2-214780559-CCTTAAT-C. GRCh37 (hg19) VCF-style: chr2-215645283-CCTTAAT-C.
Other names: c.1309_1314delATTAAG (NM_000465.2); c.1252_1257del, p.Ile418_Lys419del (NM_001282543.2); c.159-28010_159-28005del (NM_001282548.2); c.215+16496_215+16501del (NM_001282545.2); c.364+11732_364+11737del (NM_001282549.2).
Identifiers: ClinVar variation 2812717 (VCV002812717.4), dbSNP rs2469500302, ClinGen allele CA2739279712.

ClinVar aggregate classification (germline): Uncertain significance. Review status: criteria provided, multiple submitters, no conflicts (2 of 4 stars). 2 submissions from 2 submitters: Uncertain significance (2). Last evaluated 2026-08-18.

Conditions:
Familial cancer of breast. Also called: BREAST CANCER, FAMILIAL; Hereditary breast cancer; hereditary breast carcinoma. Identifiers: Orphanet 227535, MedGen C0346153, MONDO:0016419, OMIM 114480. Disease mechanism: loss of function.
Hereditary cancer-predisposing syndrome. Also called: Hereditary Cancer Syndrome; Hereditary neoplastic syndrome; Neoplastic Syndromes, Hereditary; Tumor predisposition. Identifiers: Orphanet 140162, MedGen C0027672, MeSH D009386, MONDO:0015356.

Submissions (2):

Ambry Genetics
Classification: Uncertain significance for Hereditary cancer-predisposing syndrome. Last evaluated: 2026-08-18. Review status: criteria provided, single submitter. Criteria: Ambry Variant Classification Scheme 2023. Collection method: clinical testing. Allele origin: germline.
Comment: The c.1309_1314delATTAAG variant (also known as p.I437_K438del) is located in coding exon 4 of the BARD1 gene. This variant results from an in-frame ATTAAG deletion at nucleotide positions 1309 to 1314. This results in the in-frame deletion of isoleucine and lysine residues at codons 437 to 438. This amino acid region is highly conserved in available vertebrate species. This nucleotide region is well conserved in available vertebrate species. This deletion includes the last base pair of coding exon 4, which makes it likely to have some effect on normal mRNA splicing. In silico splice site analysis predicts that this alteration will weaken the native splice donor site. Based on the available evidence, the clinical significance of this variant remains unclear.

Labcorp Genetics (formerly Invitae), Labcorp
Classification: Uncertain significance for Familial cancer of breast. Last evaluated: 2022-11-08. Review status: criteria provided, single submitter. Criteria: Invitae Variant Classification Sherloc (09022015). Collection method: clinical testing. Allele origin: germline.
Comment: In summary, the available evidence is currently insufficient to determine the role of this variant in disease. Therefore, it has been classified as a Variant of Uncertain Significance. Algorithms developed to predict the effect of sequence changes on RNA splicing suggest that this variant may disrupt the consensus splice site. Experimental studies and prediction algorithms are not available or were not evaluated, and the functional significance of this variant is currently unknown. This variant has not been reported in the literature in individuals affected with BARD1-related conditions. This variant is not present in population databases (gnomAD no frequency). This variant, c.1309_1314del, results in the deletion of 2 amino acid(s) of the BARD1 protein (p.Ile437_Lys438del), but otherwise preserves the integrity of the reading frame.